The following is an entry in ClinVar:

NM_001354712.2(THRB):c.1292T>C (p.Ile431Thr)

Gene: THRB (thyroid hormone receptor beta; minus strand). Cytogenetic location: 3p24.2.
Variant type: single nucleotide variant.
Coding change: c.1292T>C on transcript NM_001354712.2 (MANE Select); coding-DNA position 1292, T replaced by C.
Protein change: p.Ile431Thr; replaces isoleucine 431 with threonine.
Molecular consequence: missense variant.
Genome position (GRCh38, 1-based): chr3:24,122,978, A>G on the plus strand (T>C on the coding strand, the complement: THRB is on the minus strand). VCF-style: chr3-24122978-A-G. GRCh37 (hg19) VCF-style: chr3-24164469-A-G.
Other names: c.1292T>C, p.Ile431Thr (NM_000461.5, NM_001128176.3, NM_001128177.2 and 11 more transcripts); c.1199T>C, p.Ile400Thr (NM_001354714.2, NM_001354715.2); c.1121T>C, p.Ile374Thr (NM_001374827.1); c.1292T>C (NM_001252634.1); short protein forms I374T, I400T, I431T.
Identifiers: ClinVar variation 2507047 (VCV002507047.3), dbSNP rs2471599939, ClinGen allele CA351886641.

ClinVar aggregate classification (germline): Likely pathogenic. Review status: criteria provided, multiple submitters, no conflicts (2 of 4 stars). 3 submissions from 3 submitters: Likely pathogenic (3). Last evaluated 2025-04-10.

Conditions:
THRB-related disorder. Also called: THRB-related condition.

Submissions (3):

PreventionGenetics, part of Exact Sciences
Classification: Likely pathogenic for THRB-related condition. Last evaluated: 2025-04-10. Review status: criteria provided, single submitter. Criteria: ACMG Guidelines, 2015. Collection method: clinical testing. Allele origin: germline.
Comment: The THRB c.1292T>C variant is predicted to result in the amino acid substitution p.Ile431Thr. This variant has been reported in a single patient with sporadic thyroid hormone resistance. Biochemical studies also indicate an impact on T3 binding by the receptor (Table II, Adams et al. 1994. PubMed ID: 8040303). In addition, different variants affecting the same amino acid have been reported in patients with thyroid hormone resistance (Rivolta et al. 2009. PubMed ID: 19268523). This variant has not been reported in a large population database (gnomAD), indicating this variant is rare. At PreventionGenetics, we have observed this variant in patients undergoing testing for congenital hypothyroidism/thyroid hormone resistance, with the variant confirmed to occur de novo in at least one patient (internal data, PreventionGenetics). Taken together, we interpret this variant as likely pathogenic.

GeneDx
Classification: Likely pathogenic. Last evaluated: 2023-01-03. Review status: criteria provided, single submitter. Criteria: GeneDx Variant Classification Process June 2021. Collection method: clinical testing. Allele origin: germline. Affected: yes.
Comment: Observed in the heterozygous state in an individual with resistance to thyroid hormone; however, no further information was provided (Adams et al., 1994); Published functional studies demonstrate severe reduction in T3 binding affinity for the I431T receptor compared to wildtype (Adams et al., 1994); In silico analysis supports that this missense variant has a deleterious effect on protein structure/function; Not observed at significant frequency in large population cohorts (gnomAD); This variant is associated with the following publications: (PMID: 33827995, 22507269, 34956926, 8040303, 35738449, 19169485)

Blueprint Genetics
Classification: Likely pathogenic for THRB-related disorders. Last evaluated: 2017-06-15. Review status: criteria provided, single submitter. Criteria: ACMG Guidelines, 2015. Collection method: clinical testing. Allele origin: germline. Affected: yes. Observed: 1 variant allele.